The following is an entry in ClinVar:

NM_152564.5(VPS13B):c.7716A>G (p.Val2572=)

Gene: VPS13B (vacuolar protein sorting 13 homolog B; plus strand). Cytogenetic location: 8q22.2.
Variant type: single nucleotide variant.
Coding change: c.7716A>G on transcript NM_152564.5 (MANE Select); coding-DNA position 7716, A replaced by G.
Protein change: p.Val2572=; no amino-acid change (valine 2572 retained).
Molecular consequence: synonymous variant.
Genome position (GRCh38, 1-based): chr8:99,778,968, A>G. VCF-style: chr8-99778968-A-G. GRCh37 (hg19) VCF-style: chr8-100791196-A-G.
Other names: c.7716A>G (NM_152564.4); c.7791A>G, p.Val2597= (NM_017890.5).
Identifiers: ClinVar variation 589613 (VCV000589613.16), dbSNP rs981350121, ClinGen allele CA183042275.

ClinVar aggregate classification (germline): Conflicting classifications of pathogenicity. Review status: criteria provided, conflicting classifications (1 of 4 stars). 4 submissions from 4 submitters: Uncertain significance (1); Likely benign (2). 1 of the submissions does not count toward it. Last evaluated 2025-12-15.

Conditions:
VPS13B-related disorder. Also called: VPS13B-related condition.
Cohen syndrome (COH1). Also called: Cutis verticis gyrata, retinitis pigmentosa, and sensorineural deafness; PEPPER SYNDROME. Identifiers: Orphanet 193, MedGen C0265223, MONDO:0008999, OMIM 216550.
Inborn genetic diseases. Identifiers: MedGen C0950123, MeSH D030342.

Allele frequency attached by ClinVar (database versions not stated): gnomAD exomes below 0.00001 and 0.00001; gnomAD 0.00001; TOPMed 0.00002.
gnomAD v4.1: 18 of 1,613,826 alleles (0.0011%); highest among the groups gnomAD compares: African/African-American, 0.0027%; no homozygotes.

Submissions (4):

Labcorp Genetics (formerly Invitae), Labcorp
Classification: Likely benign for Cohen syndrome. Last evaluated: 2025-12-15. Review status: criteria provided, single submitter. Criteria: Invitae Variant Classification Sherloc (09022015). Collection method: clinical testing. Allele origin: germline.

Illumina Laboratory Services, Illumina
Classification: Uncertain significance for Cohen syndrome. Last evaluated: 2018-01-13. Review status: criteria provided, single submitter. Criteria: ICSL Variant Classification Criteria 13 December 2019. Collection method: clinical testing. Allele origin: germline.

Ambry Genetics
Classification: Likely benign for Inborn genetic diseases. Last evaluated: 2017-04-20. Review status: criteria provided, single submitter. Criteria: Ambry Variant Classification Scheme 2023. Collection method: clinical testing. Allele origin: germline.

PreventionGenetics, part of Exact Sciences
Classification: Likely benign for VPS13B-related condition. Last evaluated: 2021-09-30. Review status: no assertion criteria provided. Collection method: clinical testing. Allele origin: germline. Not counted in ClinVar's aggregate classification.
Comment: This variant is classified as likely benign based on ACMG/AMP sequence variant interpretation guidelines (Richards et al. 2015 PMID: 25741868, with internal and published modifications).